The following is an entry in ClinVar:

NM_006949.4(STXBP2):c.1107+1G>C

Gene: STXBP2 (syntaxin binding protein 2; plus strand). Cytogenetic location: 19p13.2.
Variant type: single nucleotide variant.
Coding change: c.1107+1G>C on transcript NM_006949.4 (MANE Select); the canonical splice donor site of the intron after coding-DNA position 1107, G replaced by C.
Molecular consequence: splice donor variant.
Genome position (GRCh38, 1-based): chr19:7,643,246, G>C. VCF-style: chr19-7643246-G-C. GRCh37 (hg19) VCF-style: chr19-7708132-G-C.
Other names: c.1011+1G>C (NM_001414484.1); c.1140+1G>C (NM_001272034.2); c.1098+1G>C (NM_001127396.3).
Identifiers: ClinVar variation 2857362 (VCV002857362.4), dbSNP rs2512700995, ClinGen allele CA403160973.
Genomic context (GRCh38, chr19:7,643,246, plus strand): 5'-GCAGATGATTGTATGAAGCACTTCAAGGGCTCGGTGGAGAAGCTGTGTAGTGTGGAGCAG[G>C]TGGGGCAGGGCTTGCGGGGGGCAGGGGTGATGGTCCTGCCAAGGCGGGGTATTGGGGAGG-3'

ClinVar aggregate classification (germline): Likely pathogenic. Review status: criteria provided, multiple submitters, no conflicts (2 of 4 stars). 2 submissions from 2 submitters: Likely pathogenic (2). Last evaluated 2024-04-17.

Conditions:
Familial hemophagocytic lymphohistiocytosis 5. Also called: STXBP2-Related Familial Hemophagocytic Lymphohistiocytosis (STXBP2-fHLH). Identifiers: Orphanet 540, MedGen C2751293, MONDO:0013135, OMIM 613101.

Submissions (2):

Fulgent Genetics
Classification: Likely pathogenic for Familial hemophagocytic lymphohistiocytosis 5. Last evaluated: 2024-04-17. Review status: criteria provided, single submitter. Criteria: ACMG Guidelines, 2015. Collection method: clinical testing. Allele origin: germline.

Labcorp Genetics (formerly Invitae), Labcorp
Classification: Likely pathogenic for Familial hemophagocytic lymphohistiocytosis 5. Last evaluated: 2023-07-29. Review status: criteria provided, single submitter. Criteria: Invitae Variant Classification Sherloc (09022015). Collection method: clinical testing. Allele origin: germline.
Comment: This sequence change affects a donor splice site in intron 13 of the STXBP2 gene. It is expected to disrupt RNA splicing. Variants that disrupt the donor or acceptor splice site typically lead to a loss of protein function (PMID: 16199547), and loss-of-function variants in STXBP2 are known to be pathogenic (PMID: 19804848, 22451424). This variant is not present in population databases (gnomAD no frequency). This variant has not been reported in the literature in individuals affected with STXBP2-related conditions. Algorithms developed to predict the effect of sequence changes on RNA splicing suggest that this variant may disrupt the consensus splice site. In summary, the currently available evidence indicates that the variant is pathogenic, but additional data are needed to prove that conclusively. Therefore, this variant has been classified as Likely Pathogenic.

Literature cited by the submitters: PubMed 16199547 (cited by Labcorp Genetics (formerly Invitae), Labcorp); PubMed 19804848 (cited by Labcorp Genetics (formerly Invitae), Labcorp); PubMed 22451424 (cited by Labcorp Genetics (formerly Invitae), Labcorp).